The following is an entry in ClinVar:

ClinVar aggregate classification (germline): Uncertain significance. Review status: criteria provided, multiple submitters, no conflicts (2 of 4 stars). 2 submissions from 2 submitters: Uncertain significance (2). Last evaluated 2025-09-01.

gnomAD v4.1: 2 of 1,614,020 alleles (0.00012%); highest among the groups gnomAD compares: South Asian, 0.0011%; no homozygotes.

Submissions (2):

CeGaT Center for Human Genetics Tuebingen
Classification: Uncertain significance. Last evaluated: 2025-09-01. Review status: criteria provided, single submitter. Criteria: CeGaT Center For Human Genetics Tuebingen Variant Classification Criteria Version 2. Collection method: clinical testing. Allele origin: germline. Affected: yes. Observed: 1 variant allele.
Comment: KDM5B: PM2, BP4

GeneDx
Classification: Uncertain significance. Last evaluated: 2025-06-22. Review status: criteria provided, single submitter. Criteria: GeneDx Variant Classification Process June 2021. Collection method: clinical testing. Allele origin: germline. Affected: yes.
Comment: Not observed at significant frequency in large population cohorts (gnomAD); In silico analysis suggests that this missense variant does not alter protein structure/function; Has not been previously published as pathogenic or benign to our knowledge

NM_006618.5(KDM5B):c.3356G>A (p.Ser1119Asn)

Gene: KDM5B (lysine demethylase 5B; minus strand). Cytogenetic location: 1q32.1.
Variant type: single nucleotide variant.
Coding change: c.3356G>A on transcript NM_006618.5 (MANE Select); coding-DNA position 3356, G replaced by A.
Protein change: p.Ser1119Asn; replaces serine 1119 with asparagine.
Molecular consequence: missense variant.
Genome position (GRCh38, 1-based): chr1:202,735,496, C>T on the plus strand (G>A on the coding strand, the complement: KDM5B is on the minus strand). VCF-style: chr1-202735496-C-T. GRCh37 (hg19) VCF-style: chr1-202704624-C-T.
Other names: c.3356G>A (NM_006618.3); c.3464G>A, p.Ser1155Asn (NM_001314042.2); c.3221G>A, p.Ser1074Asn (NM_001347591.2); c.3341G>A, p.Ser1114Asn (NM_001399817.1); short protein forms S1074N, S1114N, S1119N, S1155N.
Identifiers: ClinVar variation 4281143 (VCV004281143.8).